The following is an entry in ClinVar:

NM_001349253.2(SCN11A):c.364G>A (p.Ala122Thr)

Gene: SCN11A (sodium voltage-gated channel alpha subunit 11; minus strand). Cytogenetic location: 3p22.2.
Variant type: single nucleotide variant.
Coding change: c.364G>A on transcript NM_001349253.2 (MANE Select); coding-DNA position 364, G replaced by A.
Protein change: p.Ala122Thr; replaces alanine 122 with threonine.
Molecular consequence: missense variant.
Genome position (GRCh38, 1-based): chr3:38,946,811, C>T on the plus strand (G>A on the coding strand, the complement: SCN11A is on the minus strand). VCF-style: chr3-38946811-C-T. GRCh37 (hg19) VCF-style: chr3-38988302-C-T.
Other names: c.364G>A, p.Ala122Thr (NM_014139.3); short protein forms A122T.
Identifiers: ClinVar variation 648476 (VCV000648476.4), dbSNP rs1559549759, ClinGen allele CA352175526.
Genomic context (GRCh38, chr3:38,946,811, plus strand): 5'-ATGATCTGGACTTAGTAAAAGGTGCAATGAAAGGATATGAATGGACTGAGACTCTAATGG[C>T]TAAACTTCTGATTGAATTGAAAGGCCCAAAAATGAACAAGGCATGCTTGGCACTGAAGCG-3'
Protein context (NP_001336182.1, residues 112-132): FGPFNSIRSL[Ala122Thr]IRVSVHSLFS

ClinVar aggregate classification (germline): Uncertain significance (1 of 4 stars; one submission).

Conditions:
Hereditary sensory and autonomic neuropathy type 7. Also called: HSAN VII; Neuropathy, hereditary sensory and autonomic, type VII. Identifiers: Orphanet 391397, MedGen C3809882, MONDO:0014244, OMIM 615548.
Familial episodic pain syndrome with predominantly lower limb involvement. Also called: Episodic pain syndrome, familial, 3. Identifiers: Orphanet 391384, Orphanet 391392, MedGen C3809899, MONDO:0014247, OMIM 615552.

Allele frequency attached by ClinVar (database versions not stated): gnomAD exomes below 0.00001 and 0.00001.
gnomAD v4.1: 15 of 1,612,114 alleles (0.00093%); highest among the groups gnomAD compares: Non-Finnish European, 0.0011%; no homozygotes.

Submission:

Labcorp Genetics (formerly Invitae), Labcorp
Classification: Uncertain significance for Familial episodic pain syndrome with predominantly lower limb involvement; Hereditary sensory and autonomic neuropathy type 7. Last evaluated: 2020-07-24. Review status: criteria provided, single submitter. Criteria: Invitae Variant Classification Sherloc (09022015). Collection method: clinical testing. Allele origin: germline.
Comment: In summary, the available evidence is currently insufficient to determine the role of this variant in disease. Therefore, it has been classified as a Variant of Uncertain Significance. Algorithms developed to predict the effect of missense changes on protein structure and function are either unavailable or do not agree on the potential impact of this missense change (SIFT: "Tolerated"; PolyPhen-2: "Possibly Damaging"; Align-GVGD: "Class C0"). This variant has not been reported in the literature in individuals with SCN11A-related disease. This variant is not present in population databases (ExAC no frequency). This sequence change replaces alanine with threonine at codon 122 of the SCN11A protein (p.Ala122Thr). The alanine residue is moderately conserved and there is a small physicochemical difference between alanine and threonine.